The following is an entry in ClinVar:

NM_194277.3(FRMD7):c.285G>T (p.Arg95Ser)

Gene: FRMD7 (FERM domain containing 7; minus strand). Cytogenetic location: Xq26.2.
Variant type: single nucleotide variant.
Coding change: c.285G>T on transcript NM_194277.3 (MANE Select); coding-DNA position 285, G replaced by T.
Protein change: p.Arg95Ser; replaces arginine 95 with serine.
Molecular consequence: missense variant.
Genome position (GRCh38, 1-based): chrX:132,094,139, C>A on the plus strand (G>T on the coding strand, the complement: FRMD7 is on the minus strand). VCF-style: chrX-132094139-C-A. GRCh37 (hg19) VCF-style: chrX-131228167-C-A.
Other names: c.240G>T, p.Arg80Ser (NM_001306193.2); short protein forms R80S, R95S.
Identifiers: ClinVar variation 2732468 (VCV002732468.3), dbSNP rs1254924843, ClinGen allele CA414681767.

ClinVar aggregate classification (germline): Uncertain significance (1 of 4 stars; one submission).

Allele frequency attached by ClinVar (database versions not stated): TOPMed 0.00002.
gnomAD v4.1: 3 of 1,066,388 alleles (0.00028%); highest among the groups gnomAD compares: African/African-American, 0.0055%; no homozygotes.

Submission:

Labcorp Genetics (formerly Invitae), Labcorp
Classification: Uncertain significance. Last evaluated: 2023-03-16. Review status: criteria provided, single submitter. Criteria: Invitae Variant Classification Sherloc (09022015). Collection method: clinical testing. Allele origin: germline.
Comment: In summary, the available evidence is currently insufficient to determine the role of this variant in disease. Therefore, it has been classified as a Variant of Uncertain Significance. This variant disrupts the p.Arg95 amino acid residue in FRMD7. Other variant(s) that disrupt this residue have been observed in individuals with FRMD7-related conditions (PMID: 28623544, 33732697), which suggests that this may be a clinically significant amino acid residue. Algorithms developed to predict the effect of sequence changes on RNA splicing suggest that this variant may disrupt the consensus splice site. An algorithm developed to predict the effect of missense changes on protein structure and function (PolyPhen-2) suggests that this variant is likely to be disruptive. This variant has not been reported in the literature in individuals affected with FRMD7-related conditions. This variant is not present in population databases (gnomAD no frequency). This sequence change replaces arginine, which is basic and polar, with serine, which is neutral and polar, at codon 95 of the FRMD7 protein (p.Arg95Ser).

Literature cited by the submitters: PubMed 28623544; PubMed 33732697.